The following is an entry in ClinVar:

ClinVar aggregate classification (germline): Pathogenic/Likely pathogenic. Review status: criteria provided, multiple submitters, no conflicts (2 of 4 stars). 3 submissions from 3 submitters: Pathogenic (1); Likely pathogenic (1). 1 of the submissions does not count toward it. Last evaluated 2025-03-18.

Conditions:
Landau-Kleffner syndrome (FESD). Also called: APHASIA, ACQUIRED, WITH EPILEPSY; EPILEPSY, FOCAL, WITH SPEECH DISORDER AND WITH OR WITHOUT MENTAL RETARDATION. Identifiers: Orphanet 1945, Orphanet 725, Orphanet 98818, MedGen C0282512, MONDO:0009509, OMIM 245570.

Submissions (3):

Labcorp Genetics (formerly Invitae), Labcorp
Classification: Pathogenic for Landau-Kleffner syndrome. Last evaluated: 2025-03-18. Review status: criteria provided, single submitter. Criteria: Invitae Variant Classification Sherloc (09022015). Collection method: clinical testing. Allele origin: germline.
Comment: This sequence change replaces leucine, which is neutral and non-polar, with valine, which is neutral and non-polar, at codon 649 of the GRIN2A protein (p.Leu649Val). This variant is not present in population databases (gnomAD no frequency). This missense change has been observed in individual(s) with clinical features of GRIN2A-related conditions (PMID: 23033978). In at least one individual the variant was observed to be de novo. ClinVar contains an entry for this variant (Variation ID: 39662). Invitae Evidence Modeling of protein sequence and biophysical properties (such as structural, functional, and spatial information, amino acid conservation, physicochemical variation, residue mobility, and thermodynamic stability) indicates that this missense variant is expected to disrupt GRIN2A protein function with a positive predictive value of 95%. For these reasons, this variant has been classified as Pathogenic.

Institute of Human Genetics, University of Leipzig Medical Center
Classification: Likely pathogenic for Landau-Kleffner syndrome. Last evaluated: 2019-01-01. Review status: criteria provided, single submitter. Criteria: ACMG Guidelines, 2015. Collection method: research. Allele origin: de novo. Affected: yes.

OMIM
Classification: Pathogenic for EPILEPSY, FOCAL, WITH SPEECH DISORDER AND WITH OR WITHOUT MENTAL RETARDATION. Last evaluated: 2018-10-18. Review status: no assertion criteria provided. Collection method: literature only. Allele origin: germline. Not counted in ClinVar's aggregate classification.

Literature cited by the submitters: PubMed 23033978 (cited by Labcorp Genetics (formerly Invitae), Labcorp); PubMed 30544257 (cited by Institute of Human Genetics, University of Leipzig Medical Center); PubMed 16537520 (cited by OMIM).

NM_001134407.3(GRIN2A):c.1945C>G (p.Leu649Val)

Gene: GRIN2A (glutamate ionotropic receptor NMDA type subunit 2A; minus strand). Cytogenetic location: 16p13.2.
Variant type: single nucleotide variant.
Coding change: c.1945C>G on transcript NM_001134407.3 (MANE Select); coding-DNA position 1945, C replaced by G.
Protein change: p.Leu649Val; replaces leucine 649 with valine.
Molecular consequence: missense variant.
Genome position (GRCh38, 1-based): chr16:9,829,485, G>C on the plus strand (C>G on the coding strand, the complement: GRIN2A is on the minus strand). VCF-style: chr16-9829485-G-C. GRCh37 (hg19) VCF-style: chr16-9923342-G-C.
Other names: c.1945C>G, p.Leu649Val (NM_000833.5, NM_001134408.2); short protein forms L649V.
Identifiers: ClinVar variation 39662 (VCV000039662.8), dbSNP rs397514557, ClinGen allele CA130441.